The following is an entry in ClinVar:

ClinVar aggregate classification (germline): Uncertain significance (1 of 4 stars; one submission).

Conditions:
Dyskeratosis congenita, autosomal dominant 2. Identifiers: MedGen C3151443, MONDO:0013521, OMIM 613989.
Idiopathic Pulmonary Fibrosis. Also called: Idiopathic fibrosing alveolitis, chronic form; idiopathic fibrosing alveolitis. Identifiers: Orphanet 2032, MedGen C1800706, MeSH D054990, MONDO:0800504.

Submission:

Labcorp Genetics (formerly Invitae), Labcorp
Classification: Uncertain significance for Dyskeratosis congenita, autosomal dominant 2; Idiopathic Pulmonary Fibrosis. Last evaluated: 2020-09-24. Review status: criteria provided, single submitter. Criteria: Invitae Variant Classification Sherloc (09022015). Collection method: clinical testing. Allele origin: germline.
Comment: In summary, the available evidence is currently insufficient to determine the role of this variant in disease. Therefore, it has been classified as a Variant of Uncertain Significance. Advanced modeling of protein sequence and biophysical properties (such as structural, functional, and spatial information, amino acid conservation, physicochemical variation, residue mobility, and thermodynamic stability) performed at Invitae indicates that this missense variant is expected to disrupt TERT protein function. This variant has not been reported in the literature in individuals with TERT-related conditions. This variant is not present in population databases (ExAC no frequency). This sequence change replaces valine with glycine at codon 514 of the TERT protein (p.Val514Gly). The valine residue is highly conserved and there is a moderate physicochemical difference between valine and glycine.

NM_198253.3(TERT):c.1541T>G (p.Val514Gly)

Gene: TERT (telomerase reverse transcriptase; minus strand). Cytogenetic location: 5p15.33.
Variant type: single nucleotide variant.
Coding change: c.1541T>G on transcript NM_198253.3 (MANE Select); coding-DNA position 1541, T replaced by G.
Protein change: p.Val514Gly; replaces valine 514 with glycine.
Molecular consequence: missense variant. On other transcripts: non-coding transcript variant (2).
Genome position (GRCh38, 1-based): chr5:1,293,345, A>C on the plus strand (T>G on the coding strand, the complement: TERT is on the minus strand). VCF-style: chr5-1293345-A-C. GRCh37 (hg19) VCF-style: chr5-1293460-A-C.
Other names: c.1541T>G, p.Val514Gly (NM_001193376.3); short protein forms V514G.
Identifiers: ClinVar variation 1014299 (VCV001014299.9), dbSNP rs1751112458, ClinGen allele CA359085104.